The following is an entry in ClinVar:

ClinVar aggregate classification (germline): Benign/Likely benign. Review status: criteria provided, multiple submitters, no conflicts (2 of 4 stars). 6 submissions from 5 submitters: Benign (4); Likely benign (2). Last evaluated 2022-01-03.

Conditions:
Meckel syndrome, type 2 (MKS2). Also called: MECKEL-GRUBER SYNDROME, TYPE 2; MKS2-Related Meckel Syndrome. Identifiers: Orphanet 564, MedGen C1864148, MONDO:0011296, OMIM 603194.
Joubert syndrome 2 (JBTS2). Also called: CEREBELLOOCULORENAL SYNDROME 2. Identifiers: Orphanet 2318, MedGen C1842577, MONDO:0011963, OMIM 608091.

Allele frequency attached by ClinVar (database versions not stated): 1000 Genomes Project 0.01138; TOPMed 0.01183; 1000 Genomes Project 30x 0.01249.
gnomAD v4.1: 3,235 of 1,535,420 alleles (0.21%); highest among the groups gnomAD compares: African/African-American, 3.8%; 74 homozygotes.

Submissions (6):

Mayo Clinic Laboratories, Mayo Clinic
Classification: Benign. Last evaluated: 2022-01-03. Review status: criteria provided, single submitter. Criteria: ACMG Guidelines, 2015. Collection method: clinical testing. Allele origin: germline. Observed: 11 variant alleles.
Comment: BA1, BP4

Illumina Laboratory Services, Illumina
Classification: Likely benign for Meckel syndrome, type 2. Last evaluated: 2018-01-13. Review status: criteria provided, single submitter. Criteria: ICSL Variant Classification Criteria 13 December 2019. Collection method: clinical testing. Allele origin: germline.
Comment: This variant was observed in the ICSL laboratory as part of a predisposition screen in an ostensibly healthy population. It had not been previously curated by ICSL or reported in the Human Gene Mutation Database (HGMD: prior to June 1st, 2018), and was therefore a candidate for classification through an automated scoring system. Utilizing variant allele frequency, disease prevalence and penetrance estimates, and inheritance mode, an automated score was calculated to assess if this variant is too frequent to cause the disease. Based on the score and internal cut-off values, a variant classified as likely benign is not then subjected to further curation. The score for this variant resulted in a classification of likely benign for this disease.

Illumina Laboratory Services, Illumina
Classification: Benign for Joubert syndrome 2. Last evaluated: 2018-01-13. Review status: criteria provided, single submitter. Criteria: ICSL Variant Classification Criteria 13 December 2019. Collection method: clinical testing. Allele origin: germline.
Comment: This variant was observed in the ICSL laboratory as part of a predisposition screen in an ostensibly healthy population. It had not been previously curated by ICSL or reported in the Human Gene Mutation Database (HGMD: prior to June 1st, 2018), and was therefore a candidate for classification through an automated scoring system. Utilizing variant allele frequency, disease prevalence and penetrance estimates, and inheritance mode, an automated score was calculated to assess if this variant is too frequent to cause the disease. Based on the score and internal cut-off values, a variant classified as benign is not then subjected to further curation. The score for this variant resulted in a classification of benign for this disease.

GeneDx
Classification: Benign. Last evaluated: 2016-05-09. Review status: criteria provided, single submitter. Criteria: GeneDx Variant Classification (06012015). Collection method: clinical testing. Allele origin: germline. Affected: yes.
Comment: This variant is considered likely benign or benign based on one or more of the following criteria: it is a conservative change, it occurs at a poorly conserved position in the protein, it is predicted to be benign by multiple in silico algorithms, and/or has population frequency not consistent with disease.

Breakthrough Genomics
Classification: Likely benign. Review status: criteria provided, single submitter. Criteria: ACMG Guidelines, 2015. Collection method: not provided. Allele origin: germline. Inheritance: Autosomal recessive inheritance. Affected: yes.

PreventionGenetics, part of Exact Sciences
Classification: Benign. Review status: criteria provided, single submitter. Criteria: ACMG Guidelines, 2015. Collection method: clinical testing. Allele origin: germline.

NM_001173990.3(TMEM216):c.-24C>G

Gene: TMEM216 (transmembrane protein 216; plus strand). Cytogenetic location: 11q12.2.
Variant type: single nucleotide variant.
Coding change: c.-24C>G on transcript NM_001173990.3 (MANE Select); 24 bases upstream of the start codon, C replaced by G.
Molecular consequence: 5 prime UTR variant.
Genome position (GRCh38, 1-based): chr11:61,392,608, C>G. VCF-style: chr11-61392608-C-G. GRCh37 (hg19) VCF-style: chr11-61160080-C-G.
Other names: c.-24C>G (NM_001173991.3); c.-221C>G (NM_001330285.2, NM_016499.6).
Identifiers: ClinVar variation 257595 (VCV000257595.8), dbSNP rs59493015, ClinGen allele CA6034686.